The following is an entry in ClinVar:

ClinVar aggregate classification (germline): Pathogenic (1 of 4 stars; one submission).

Conditions:
Aortic aneurysm, familial thoracic 6 (AAT6). Also called: FAMILIAL THORACIC AORTIC ANEURYSM WITH LIVEDO RETICULARIS AND IRIS FLOCCULI. Identifiers: MedGen C2673186, MONDO:0012730, OMIM 611788.

Submission:

Labcorp Genetics (formerly Invitae), Labcorp
Classification: Pathogenic for Aortic aneurysm, familial thoracic 6. Last evaluated: 2024-10-01. Review status: criteria provided, single submitter. Criteria: Invitae Variant Classification Sherloc (09022015). Collection method: clinical testing. Allele origin: germline.
Comment: This sequence change replaces valine, which is neutral and non-polar, with leucine, which is neutral and non-polar, at codon 45 of the ACTA2 protein (p.Val45Leu). This variant is not present in population databases (gnomAD no frequency). This missense change has been observed in individuals with clinical features of thoracic aortic aneurysm and dissection (PMID: 21212136, 34422331; internal data). Invitae Evidence Modeling of protein sequence and biophysical properties (such as structural, functional, and spatial information, amino acid conservation, physicochemical variation, residue mobility, and thermodynamic stability) indicates that this missense variant is expected to disrupt ACTA2 protein function with a positive predictive value of 95%. For these reasons, this variant has been classified as Pathogenic.

Literature cited by the submitters: PubMed 21212136; PubMed 34422331.

NM_001613.4(ACTA2):c.133G>T (p.Val45Leu)

Gene: ACTA2 (actin alpha 2, smooth muscle; minus strand). Cytogenetic location: 10q23.31.
Variant type: single nucleotide variant.
Coding change: c.133G>T on transcript NM_001613.4 (MANE Select); coding-DNA position 133, G replaced by T.
Protein change: p.Val45Leu; replaces valine 45 with leucine.
Molecular consequence: missense variant. On other transcripts: intron variant (3).
Genome position (GRCh38, 1-based): chr10:88,947,383, C>A on the plus strand (G>T on the coding strand, the complement: ACTA2 is on the minus strand). VCF-style: chr10-88947383-C-A. GRCh37 (hg19) VCF-style: chr10-90707140-C-A.
Other names: c.133G>T, p.Val45Leu (NM_001141945.3, NM_001320855.2, NM_001406462.1 and 4 more transcripts); c.129+1419G>T (NM_001406467.1, NM_001406468.1, NM_001406469.1); short protein forms V45L.
Identifiers: ClinVar variation 3720953 (VCV003720953.2).